The following is an entry in ClinVar:

ClinVar aggregate classification (germline): Conflicting classifications of pathogenicity. Review status: criteria provided, conflicting classifications (1 of 4 stars). 5 submissions from 3 submitters: Uncertain significance (4); Likely benign (1). Last evaluated 2025-11-25.

Conditions:
Perrault syndrome 5 (PRLTS5). Identifiers: Orphanet 2855, MedGen C4015307, MONDO:0014504, OMIM 616138.
Infantile onset spinocerebellar ataxia (MTDPS7). Also called: OPHTHALMOPLEGIA, HYPOTONIA, ATAXIA, HYPOACUSIS, AND ATHETOSIS; OHAHA SYNDROME; SPINOCEREBELLAR ATAXIA, INFANTILE, WITH SENSORY NEUROPATHY; Mitochondrial DNA depletion syndrome 7 (hepatocerebral type). Identifiers: Orphanet 1186, MedGen C1849096, MONDO:0010060, OMIM 271245.
Progressive external ophthalmoplegia with mitochondrial DNA deletions, autosomal dominant 3. Also called: PROGRESSIVE EXTERNAL OPHTHALMOPLEGIA, AUTOSOMAL DOMINANT 3. Identifiers: MedGen C1836439, MONDO:0012241, OMIM 609286.

Allele frequency attached by ClinVar (database versions not stated): ExAC 0.00003; gnomAD 0.00003 and 0.00004; gnomAD exomes 0.00003 and 0.00005; TOPMed 0.00003.
gnomAD v4.1: 73 of 1,614,096 alleles (0.0045%); highest among the groups gnomAD compares: Non-Finnish European, 0.0058%; no homozygotes.

Submissions (5):

Labcorp Genetics (formerly Invitae), Labcorp
Classification: Likely benign. Last evaluated: 2025-11-25. Review status: criteria provided, single submitter. Criteria: Invitae Variant Classification Sherloc (09022015). Collection method: clinical testing. Allele origin: germline.

Baylor Genetics
Classification: Uncertain significance for Perrault syndrome 5. Last evaluated: 2023-05-09. Review status: criteria provided, single submitter. Criteria: ACMG Guidelines, 2015. Collection method: clinical testing. Allele origin: unknown.

Baylor Genetics
Classification: Uncertain significance for Progressive external ophthalmoplegia with mitochondrial DNA deletions, autosomal dominant 3. Last evaluated: 2023-05-09. Review status: criteria provided, single submitter. Criteria: ACMG Guidelines, 2015. Collection method: clinical testing. Allele origin: unknown.

Baylor Genetics
Classification: Uncertain significance for Infantile onset spinocerebellar ataxia. Last evaluated: 2023-05-09. Review status: criteria provided, single submitter. Criteria: ACMG Guidelines, 2015. Collection method: clinical testing. Allele origin: unknown.

GeneDx
Classification: Uncertain significance. Last evaluated: 2022-05-05. Review status: criteria provided, single submitter. Criteria: GeneDx Variant Classification Process June 2021. Collection method: clinical testing. Allele origin: germline. Affected: yes.
Comment: In silico analysis supports that this missense variant does not alter protein structure/function; Has not been previously published as pathogenic or benign to our knowledge

NM_021830.5(TWNK):c.1958C>T (p.Ser653Phe)

Gene: TWNK (twinkle mtDNA helicase; plus strand). Cytogenetic location: 10q24.31.
Variant type: single nucleotide variant.
Coding change: c.1958C>T on transcript NM_021830.5 (MANE Select); coding-DNA position 1958, C replaced by T.
Protein change: p.Ser653Phe; replaces serine 653 with phenylalanine.
Molecular consequence: missense variant. On other transcripts: 3 prime UTR variant (2), non-coding transcript variant (5).
Genome position (GRCh38, 1-based): chr10:100,993,413, C>T. VCF-style: chr10-100993413-C-T. GRCh37 (hg19) VCF-style: chr10-102753170-C-T.
Other names: c.*253C>T (NM_001163812.2, NM_001163814.2); c.596C>T, p.Ser199Phe (NM_001163813.2, NM_001368275.1); short protein forms S199F, S653F.
Identifiers: ClinVar variation 1683933 (VCV001683933.4), dbSNP rs775046032, ClinGen allele CA5653373.